The following is an entry in ClinVar:

NM_000532.5(PCCB):c.39G>T (p.Arg13Ser)

Gene: PCCB (propionyl-CoA carboxylase subunit beta; plus strand). Cytogenetic location: 3q22.3.
Variant type: single nucleotide variant.
Coding change: c.39G>T on transcript NM_000532.5 (MANE Select); coding-DNA position 39, G replaced by T.
Protein change: p.Arg13Ser; replaces arginine 13 with serine.
Molecular consequence: missense variant.
Genome position (GRCh38, 1-based): chr3:136,250,414, G>T. VCF-style: chr3-136250414-G-T. GRCh37 (hg19) VCF-style: chr3-135969256-G-T.
Other names: c.39G>T, p.Arg13Ser (NM_001178014.2); short protein forms R13S.
Identifiers: ClinVar variation 3364616 (VCV003364616.1).
Genomic context (GRCh38, chr3:136,250,414, plus strand): 5'-GGGACGCGCCGGCACAGCAAAAATGGCGGCGGCATTACGGGTGGCGGCGGTCGGGGCAAG[G>T]CTCAGCGTTCTGGCGAGCGGTCTCCGCGCCGCGGTCCGCAGCCTTTGCAGCCAGGCCACC-3'
Protein context (NP_000523.2, residues 3-23): AALRVAAVGA[Arg13Ser]LSVLASGLRA

ClinVar aggregate classification (germline): Uncertain significance (1 of 4 stars; one submission).

Submission:

GeneDx
Classification: Uncertain significance. Last evaluated: 2023-11-21. Review status: criteria provided, single submitter. Criteria: GeneDx Variant Classification Process June 2021. Collection method: clinical testing. Allele origin: germline. Affected: yes.
Comment: Not observed at significant frequency in large population cohorts (gnomAD); In silico analysis supports that this missense variant does not alter protein structure/function; Has not been previously published as pathogenic or benign to our knowledge